The following is an entry in ClinVar:

NM_000234.3(LIG1):c.244-5T>A

Gene: LIG1 (DNA ligase 1; minus strand). Cytogenetic location: 19q13.33.
Variant type: single nucleotide variant.
Coding change: c.244-5T>A on transcript NM_000234.3 (MANE Select); 5 bases into the intron before coding-DNA position 244, T replaced by A.
Molecular consequence: intron variant.
Genome position (GRCh38, 1-based): chr19:48,157,145, A>T on the plus strand (T>A on the coding strand, the complement: LIG1 is on the minus strand). VCF-style: chr19-48157145-A-T. GRCh37 (hg19) VCF-style: chr19-48660402-A-T.
Other names: c.154-5T>A (NM_001289063.2, NM_001320971.2); c.244-5T>A (NM_001289064.2, NM_001320970.2).
Identifiers: ClinVar variation 3621367 (VCV003621367.4).

ClinVar aggregate classification (germline): Conflicting classifications of pathogenicity. Review status: criteria provided, conflicting classifications (1 of 4 stars). 2 submissions from 2 submitters: Uncertain significance (1); Likely benign (1). Last evaluated 2025-11-19.

Conditions:
Immunodeficiency 96 (IMD96). Identifiers: MedGen C5676930, MONDO:0030693, OMIM 619774.

gnomAD v4.1: 3 of 1,609,114 alleles (0.00019%); highest among the groups gnomAD compares: Admixed American, 0.0034%; no homozygotes.

Submissions (2):

Dasa
Classification: Uncertain significance for Immunodeficiency 96. Last evaluated: 2025-11-19. Review status: criteria provided, single submitter. Criteria: DASA Assertion Criteria. Collection method: clinical testing. Allele origin: germline.
Comment: NM_000234.3(LIG1):c.244-5T>A is a splice-region variant. This variant is rare in population databases. Computational prediction algorithms are consistent with a deleterious effect. The currently available literature and clinical evidence are not sufficient to establish a definitive association between this variant and the reported condition. Therefore, this variant is classified as a variant of uncertain significance.

Labcorp Genetics (formerly Invitae), Labcorp
Classification: Likely benign. Last evaluated: 2024-12-16. Review status: criteria provided, single submitter. Criteria: Invitae Variant Classification Sherloc (09022015). Collection method: clinical testing. Allele origin: germline.